The following is an entry in ClinVar:

ClinVar aggregate classification (germline): Benign. Review status: criteria provided, multiple submitters, no conflicts (2 of 4 stars). 6 submissions from 6 submitters: Benign (5). 1 of the submissions does not count toward it. Last evaluated 2025-04-25.

Conditions:
Polycystic kidney disease, adult type (PKD1). Also called: Polycystic Kidney, Autosomal Dominant; Polycystic Kidney Disease 1, Autosomal Dominant; Polycystic kidney disease 1; Polycystic kidney disease 1, severe; POLYCYSTIC KIDNEY DISEASE 1 WITH OR WITHOUT POLYCYSTIC LIVER DISEASE; POLYCYSTIC KIDNEY DISEASE, ADULT, TYPE I. Identifiers: MedGen C3149841, MONDO:0008263, OMIM 173900.
Polycystic kidney disease. Also called: Polycystic kidney dysplasia; Kidney, Polycystic. Identifiers: MedGen C0022680, MeSH D007690, MONDO:0020642, HP:0000113.

Allele frequency attached by ClinVar (database versions not stated): gnomAD exomes 0.00324 and 0.00815; ExAC 0.01594; gnomAD 0.03241 and 0.03494; 1000 Genomes Project 0.03355; ESP Exome Variant Server 0.03569; 1000 Genomes Project 30x 0.03607; TOPMed 0.03630.
gnomAD v4.1: 9,750 of 1,570,898 alleles (0.62%); highest among the groups gnomAD compares: African/African-American, 11%; 483 homozygotes.

Submissions (6):

Women's Health and Genetics/Laboratory Corporation of America, LabCorp
Classification: Benign. Last evaluated: 2025-04-25. Review status: criteria provided, single submitter. Criteria: LabCorp Variant Classification Summary - May 2015. Collection method: clinical testing. Allele origin: germline.

Blueprint Genetics
Classification: Benign. Last evaluated: 2024-11-14. Review status: criteria provided, single submitter. Criteria: ACMG Guidelines, 2015. Collection method: clinical testing. Allele origin: germline.

ARUP Laboratories, Molecular Genetics and Genomics, ARUP Laboratories
Classification: Benign for Polycystic kidney disease, adult type. Last evaluated: 2020-01-28. Review status: criteria provided, single submitter. Criteria: ARUP Molecular Germline Variant Investigation Process. Collection method: clinical testing. Allele origin: germline.

Breakthrough Genomics
Classification: Benign. Review status: criteria provided, single submitter. Criteria: ACMG Guidelines, 2015. Collection method: not provided. Allele origin: germline. Inheritance: Autosomal dominant inheritance. Affected: yes.

PreventionGenetics, part of Exact Sciences
Classification: Benign. Review status: criteria provided, single submitter. Criteria: ACMG Guidelines, 2015. Collection method: clinical testing. Allele origin: germline.

Department of Pathology and Laboratory Medicine, Sinai Health System
Classification: Benign for Polycystic Kidney disease. Review status: no assertion criteria provided. Collection method: clinical testing. Allele origin: unknown. Affected: yes. Study: The Canadian Open Genetics Repository (COGR). Not counted in ClinVar's aggregate classification.
Comment: The PKD1 c.10822-14C>T variant was identified in 3 of 460 proband chromosomes (frequency: 0.007) from American individuals or families with ADPKD (Rossetti 2012). The variant was also identified in dbSNP (ID: rs7192711) as â€šÃ„ÃºWith Benign alleleâ€šÃ„Ã¹, the ADPKD Mutation Database (classification likely neutral), the 1000 Genomes Project in 165 of 5015 chromosomes (frequency: 0.03), HAPMAP-YRI in 26 of 226 chromosomes (frequency: 0.115), HAPMAP-ASW in 12 of 98 chromosomes (frequency: 0.122), HAPMAP-LWK in 22 of 189 chromosomes (frequency: 0.122), the NHLBI GO Exome Sequencing Project in 8 of 8552 European American alleles (frequency: 0.0009) and in 453 of 4362 African American alleles (frequency: 0.1), and in the Exome Aggregation Consortium database (August 8, 2016) in 531 of 33314 chromosomes (29 homozgyous) (frequency: 0.02) in the following populations: African in 466 (29 homozygotes) of 3264 chromosomes (frequency: 0.1), Latino in 31 of 2608 chromosomes (frequency: 0.01), Other in 2 of 280 chromosomes (frequency: 0.007), European (Non-Finnish) in 110 of 64720 chromosomes (frequency: 0.002), and South Asian in 1 of 9322 chromosomes (frequency: 0.0001), but was not seen in East Asian and Finnish and populations. The variant was also identified in Clinvitae (classification benign), ClinVar (classification benign, submitter Prevention Genetics), but was not in GeneInsight-COGR, PKD1-LOVD, and PKD1-LOVD 3.0. The c.10822-14C>T variant is located in the 3' splice region but does not affect the invariant -1 and -2 positions. In addition, five of five in silico or computational prediction software programs (SpliceSiteFinder, MaxEntScan, NNSPLICE, GeneSplicer, HumanSpliceFinder) do not predict a greater than 10% difference in splicing. In summary, based on the above information, this variant meets our laboratory criteria to be classified as benign.

NM_001009944.3(PKD1):c.10822-14C>T

Genes: PKD1 (polycystin 1, transient receptor potential channel interacting; minus strand), PKD1-AS1 (PKD1 antisense RNA 1; plus strand). Cytogenetic location: 16p13.3.
Variant type: single nucleotide variant.
Coding change: c.10822-14C>T on transcript NM_001009944.3 (MANE Select); 14 bases into the intron before coding-DNA position 10822, C replaced by T.
Molecular consequence: intron variant.
Genome position (GRCh38, 1-based): chr16:2,093,752, G>A on the plus strand (C>T on the coding strand, the complement: PKD1 is on the minus strand). VCF-style: chr16-2093752-G-A. GRCh37 (hg19) VCF-style: chr16-2143753-G-A.
Other names: c.10819-14C>T (NM_000296.4).
Identifiers: ClinVar variation 256896 (VCV000256896.16), dbSNP rs7192711, ClinGen allele CA7829416.